The following is an entry in ClinVar:

ClinVar aggregate classification (germline): Uncertain significance (1 of 4 stars; one submission).

Submission:

Women's Health and Genetics/Laboratory Corporation of America, LabCorp
Classification: Uncertain significance. Last evaluated: 2025-05-12. Review status: criteria provided, single submitter. Criteria: LabCorp Variant Classification Summary - May 2015. Collection method: clinical testing. Allele origin: germline.
Comment: Variant summary: PEX10 c.980G>A (p.Cys327Tyr) results in a non-conservative amino acid change in the encoded protein sequence. Algorithms developed to predict the effect of missense changes on protein structure and function all suggest that this variant is likely to be disruptive. The variant was absent in 212176 control chromosomes. c.980G>A has been observed in individual(s) affected with Cerebral Ataxia (Yamashita_2017). These data indicate that the variant may be associated with disease. To our knowledge, no experimental evidence demonstrating an impact on protein function has been reported. The following publication have been ascertained in the context of this evaluation (PMID: 28320181). No submitters have cited clinical-significance assessments for this variant to ClinVar. Based on the evidence outlined above, the variant was classified as VUS-possibly pathogenic.

Literature cited by the submitters: PubMed 28320181.

NM_002617.4(PEX10):c.920G>A (p.Cys307Tyr)

Gene: PEX10 (peroxisomal biogenesis factor 10; minus strand). Cytogenetic location: 1p36.32.
Variant type: single nucleotide variant.
Coding change: c.920G>A on transcript NM_002617.4 (MANE Select); coding-DNA position 920, G replaced by A.
Protein change: p.Cys307Tyr; replaces cysteine 307 with tyrosine.
Molecular consequence: missense variant. On other transcripts: non-coding transcript variant (1).
Genome position (GRCh38, 1-based): chr1:2,405,827, C>T on the plus strand (G>A on the coding strand, the complement: PEX10 is on the minus strand). VCF-style: chr1-2405827-C-T. GRCh37 (hg19) VCF-style: chr1-2337266-C-T.
Other names: c.977G>A, p.Cys326Tyr (NM_001374425.1); c.545G>A, p.Cys182Tyr (NM_001374426.1); c.488G>A, p.Cys163Tyr (NM_001374427.1); c.980G>A, p.Cys327Tyr (NM_153818.2); short protein forms C163Y, C182Y, C307Y, C326Y, C327Y.
Identifiers: ClinVar variation 3902300 (VCV003902300.1).